The following is an entry in ClinVar:

NM_000057.4(BLM):c.1756C>T (p.Pro586Ser)

Gene: BLM (BLM RecQ like helicase; plus strand). Cytogenetic location: 15q26.1.
Variant type: single nucleotide variant.
Coding change: c.1756C>T on transcript NM_000057.4 (MANE Select); coding-DNA position 1756, C replaced by T.
Protein change: p.Pro586Ser; replaces proline 586 with serine.
Molecular consequence: missense variant.
Genome position (GRCh38, 1-based): chr15:90,761,129, C>T. VCF-style: chr15-90761129-C-T. GRCh37 (hg19) VCF-style: chr15-91304359-C-T.
Other names: c.1756C>T, p.Pro586Ser (NM_001287246.2, NM_001287247.2); c.631C>T, p.Pro211Ser (NM_001287248.2); short protein forms P211S, P586S.
Identifiers: ClinVar variation 842608 (VCV000842608.6), dbSNP rs1895975290, ClinGen allele CA393843777.
Genomic context (GRCh38, chr15:90,761,129, plus strand): 5'-GACTGGGAAGACATAATGCATAATTTAGCAGCCAGCAAATCTTCCACAGCTGCCTATCAA[C>T]CCATCAAGGAAGGTCGGCCAATTAAATCAGTATCAGAAAGACTTTCCTCAGCCAAGACAG-3'
Protein context (NP_000048.1, residues 576-596): ASKSSTAAYQ[Pro586Ser]IKEGRPIKSV

ClinVar aggregate classification (germline): Uncertain significance (1 of 4 stars; one submission).

Conditions:
Bloom syndrome (BLM). Also called: Bloom-Torre-Machacek syndrome. Identifiers: Orphanet 125, MedGen C0005859, MONDO:0008876, OMIM 210900.

Submission:

Labcorp Genetics (formerly Invitae), Labcorp
Classification: Uncertain significance for Bloom syndrome. Last evaluated: 2021-12-09. Review status: criteria provided, single submitter. Criteria: Invitae Variant Classification Sherloc (09022015). Collection method: clinical testing. Allele origin: germline.
Comment: This sequence change replaces proline, which is neutral and non-polar, with serine, which is neutral and polar, at codon 586 of the BLM protein (p.Pro586Ser). This variant is not present in population databases (gnomAD no frequency). This variant has not been reported in the literature in individuals affected with BLM-related conditions. ClinVar contains an entry for this variant (Variation ID: 842608). Algorithms developed to predict the effect of missense changes on protein structure and function (SIFT, PolyPhen-2, Align-GVGD) all suggest that this variant is likely to be tolerated. In summary, the available evidence is currently insufficient to determine the role of this variant in disease. Therefore, it has been classified as a Variant of Uncertain Significance.